The following is an entry in ClinVar:

ClinVar aggregate classification (germline): Likely benign (1 of 4 stars; one submission).

Allele frequency attached by ClinVar (database versions not stated): 1000 Genomes Project 0.00080; 1000 Genomes Project 30x 0.00109; TOPMed 0.00175; ExAC 0.00180; gnomAD 0.00203; gnomAD exomes 0.00218; ESP Exome Variant Server 0.00254.
gnomAD v4.1: 3,480 of 1,613,250 alleles (0.22%); highest among the groups gnomAD compares: Non-Finnish European, 0.25%; 17 homozygotes.

Submission:

CeGaT Center for Human Genetics Tuebingen
Classification: Likely benign. Last evaluated: 2022-11-01. Review status: criteria provided, single submitter. Criteria: CeGaT Center For Human Genetics Tuebingen Variant Classification Criteria Version 2. Collection method: clinical testing. Allele origin: germline. Affected: yes. Observed: 1 variant allele.
Comment: IFI44L: BP4, BP7

NM_006820.4(IFI44L):c.99T>C (p.His33=)

Gene: IFI44L (interferon induced protein 44 like; plus strand). Cytogenetic location: 1p31.1.
Variant type: single nucleotide variant.
Coding change: c.99T>C on transcript NM_006820.4 (MANE Select); coding-DNA position 99, T replaced by C.
Protein change: p.His33=; no amino-acid change (histidine 33 retained).
Molecular consequence: synonymous variant. On other transcripts: intron variant (4).
Genome position (GRCh38, 1-based): chr1:78,628,014, T>C. VCF-style: chr1-78628014-T-C. GRCh37 (hg19) VCF-style: chr1-79093699-T-C.
Other names: c.99T>C, p.His33= (NM_001375646.1); c.-296-937T>C (NM_001375650.1, NM_001375647.1); c.-100-937T>C (NM_001375649.1); c.-51-7323T>C (NM_001375648.1).
Identifiers: ClinVar variation 2638895 (VCV002638895.24), dbSNP rs41292964, ClinGen allele CA920471.